The following is an entry in ClinVar:

NM_000063.6(C2):c.1130-11C>T

Genes: C2 (complement C2; plus strand), C2-AS1 (C2 antisense RNA 1; minus strand). Cytogenetic location: 6p21.33.
Variant type: single nucleotide variant.
Coding change: c.1130-11C>T on transcript NM_000063.6 (MANE Select); 11 bases into the intron before coding-DNA position 1130, C replaced by T.
Molecular consequence: intron variant.
Genome position (GRCh38, 1-based): chr6:31,939,220, C>T. VCF-style: chr6-31939220-C-T. GRCh37 (hg19) VCF-style: chr6-31906997-C-T.
Other names: c.392-11C>T (NM_001282457.2); c.488-11C>T (NM_001178063.3); c.1043-11C>T (NM_001282458.2); c.734-11C>T (NM_001145903.3).
Identifiers: ClinVar variation 356247 (VCV000356247.14), dbSNP rs117576077, ClinGen allele CA3727632.

ClinVar aggregate classification (germline): Conflicting classifications of pathogenicity. Review status: criteria provided, conflicting classifications (1 of 4 stars). 4 submissions from 3 submitters: Uncertain significance (1); Benign (2); Likely benign (1). Last evaluated 2025-12-16.

Conditions:
Complement component 2 deficiency (C2D). Also called: C2 deficiency. Identifiers: MedGen C0398756, MONDO:0009006, OMIM 217000.
Age related macular degeneration 14. Also called: MACULAR DEGENERATION, AGE-RELATED, 14, REDUCED RISK OF. Identifiers: MedGen C3809653, MONDO:0014207, OMIM 615489.

Allele frequency attached by ClinVar (database versions not stated): gnomAD 0.00017 and 0.00042; TOPMed 0.00043; gnomAD exomes 0.00081 and 0.00115; ExAC 0.00092; 1000 Genomes Project 30x 0.00250; 1000 Genomes Project 0.00319.
gnomAD v4.1: 1,658 of 1,588,724 alleles (0.1%); highest among the groups gnomAD compares: East Asian, 3.7%; 61 homozygotes.

Submissions (4):

Labcorp Genetics (formerly Invitae), Labcorp
Classification: Benign. Last evaluated: 2025-12-16. Review status: criteria provided, single submitter. Criteria: Invitae Variant Classification Sherloc (09022015). Collection method: clinical testing. Allele origin: germline.

Blueprint Genetics
Classification: Likely benign. Last evaluated: 2024-08-06. Review status: criteria provided, single submitter. Criteria: ACMG Guidelines, 2015. Collection method: clinical testing. Allele origin: germline.

Illumina Laboratory Services, Illumina
Classification: Benign for Age related macular degeneration 14. Last evaluated: 2018-01-13. Review status: criteria provided, single submitter. Criteria: ICSL Variant Classification Criteria 13 December 2019. Collection method: clinical testing. Allele origin: germline.
Comment: This variant was observed in the ICSL laboratory as part of a predisposition screen in an ostensibly healthy population. It had not been previously curated by ICSL or reported in the Human Gene Mutation Database (HGMD: prior to June 1st, 2018), and was therefore a candidate for classification through an automated scoring system. Utilizing variant allele frequency, disease prevalence and penetrance estimates, and inheritance mode, an automated score was calculated to assess if this variant is too frequent to cause the disease. Based on the score and internal cut-off values, a variant classified as benign is not then subjected to further curation. The score for this variant resulted in a classification of benign for this disease.

Illumina Laboratory Services, Illumina
Classification: Uncertain significance for Complement component 2 deficiency. Last evaluated: 2018-01-13. Review status: criteria provided, single submitter. Criteria: ICSL Variant Classification Criteria 13 December 2019. Collection method: clinical testing. Allele origin: germline.